The following is an entry in ClinVar:

NM_000135.4(FANCA):c.426+9C>T

Gene: FANCA (FA complementation group A; minus strand). Cytogenetic location: 16q24.3.
Variant type: single nucleotide variant.
Coding change: c.426+9C>T on transcript NM_000135.4 (MANE Select); 9 bases into the intron after coding-DNA position 426, C replaced by T.
Molecular consequence: intron variant.
Genome position (GRCh38, 1-based): chr16:89,810,920, G>A on the plus strand (C>T on the coding strand, the complement: FANCA is on the minus strand). VCF-style: chr16-89810920-G-A. GRCh37 (hg19) VCF-style: chr16-89877328-G-A.
Other names: c.426+9C>T (NM_001286167.3, NM_001351830.2, NM_001018112.3).
Identifiers: ClinVar variation 3030179 (VCV003030179.2), dbSNP rs1161434880, ClinGen allele CA2635042604.

ClinVar aggregate classification (germline): Likely benign (0 of 4 stars; one submission).

Conditions:
FANCA-related disorder. Also called: FANCA-related condition.

gnomAD v4.1: 1 of 1,614,126 alleles (0.000062%); no homozygotes.

Submission:

PreventionGenetics, part of Exact Sciences
Classification: Likely benign for FANCA-related condition. Last evaluated: 2021-03-17. Review status: no assertion criteria provided. Collection method: clinical testing. Allele origin: germline.
Comment: This variant is classified as likely benign based on ACMG/AMP sequence variant interpretation guidelines (Richards et al. 2015 PMID: 25741868, with internal and published modifications).